The following is an entry in ClinVar:

ClinVar aggregate classification (germline): Benign/Likely benign. Review status: criteria provided, multiple submitters, no conflicts (2 of 4 stars). 3 submissions from 3 submitters: Benign (1); Likely benign (2). Last evaluated 2026-06-17.

Conditions:
Polyps, multiple and recurrent inflammatory fibroid, gastrointestinal. Identifiers: MedGen C5193005, MONDO:0008285, OMIM 175510.
Gastrointestinal stromal tumor. Also called: Gastrointestinal stroma tumor; Gastrointestinal stromal tumor, somatic. Identifiers: Orphanet 44890, MedGen C0238198, MeSH D046152, MONDO:0011719, OMIM 606764, HP:0100723.
Hereditary cancer-predisposing syndrome. Also called: Neoplastic Syndromes, Hereditary; Hereditary Cancer Syndrome; Hereditary neoplastic syndrome; Tumor predisposition. Identifiers: Orphanet 140162, MedGen C0027672, MeSH D009386, MONDO:0015356.

Allele frequency attached by ClinVar (database versions not stated): TOPMed below 0.00001.

Submissions (3):

Myriad Genetics, Inc.
Classification: Benign for Polyps, multiple and recurrent inflammatory fibroid, gastrointestinal. Last evaluated: 2026-06-17. Review status: criteria provided, single submitter. Criteria: Myriad Autosomal Dominant, Autosomal Recessive and X-Linked Classification Criteria (2023). Collection method: clinical testing. Allele origin: unknown.
Comment: This variant is considered benign. This variant is a silent/synonymous amino acid change and it is not expected to impact splicing.

Labcorp Genetics (formerly Invitae), Labcorp
Classification: Likely benign for Gastrointestinal stromal tumor. Last evaluated: 2025-02-11. Review status: criteria provided, single submitter. Criteria: Invitae Variant Classification Sherloc (09022015). Collection method: clinical testing. Allele origin: germline.

Ambry Genetics
Classification: Likely benign for Hereditary cancer-predisposing syndrome. Last evaluated: 2024-05-15. Review status: criteria provided, single submitter. Criteria: Ambry Variant Classification Scheme 2023. Collection method: clinical testing. Allele origin: germline.

NM_006206.6(PDGFRA):c.2718C>T (p.Tyr906=)

Gene: PDGFRA (platelet derived growth factor receptor alpha; plus strand). Cytogenetic location: 4q12.
Variant type: single nucleotide variant.
Coding change: c.2718C>T on transcript NM_006206.6 (MANE Select); coding-DNA position 2718, C replaced by T.
Protein change: p.Tyr906=; no amino-acid change (tyrosine 906 retained).
Molecular consequence: synonymous variant.
Genome position (GRCh38, 1-based): chr4:54,288,842, C>T. VCF-style: chr4-54288842-C-T. GRCh37 (hg19) VCF-style: chr4-55155009-C-T.
Other names: c.2793C>T, p.Tyr931= (NM_001347828.2); c.2718C>T, p.Tyr906= (NM_001347829.2); c.2757C>T, p.Tyr919= (NM_001347830.2).
Identifiers: ClinVar variation 414523 (VCV000414523.14), dbSNP rs1060504257, ClinGen allele CA16611494.